The following is an entry in ClinVar:

ClinVar aggregate classification (germline): Conflicting classifications of pathogenicity. Review status: criteria provided, conflicting classifications (1 of 4 stars). 2 submissions from 2 submitters: Uncertain significance (1); Likely benign (1). Last evaluated 2025-06-12.

Conditions:
DiGeorge syndrome. Also called: THIRD AND FOURTH PHARYNGEAL POUCH SYNDROME; Catch22. Identifiers: Orphanet 567, MedGen C0012236, MONDO:0008564, OMIM 188400.

gnomAD v4.1: 40 of 1,569,900 alleles (0.0025%); highest among the groups gnomAD compares: Middle Eastern, 0.056%; 1 homozygote.

Submissions (2):

Labcorp Genetics (formerly Invitae), Labcorp
Classification: Uncertain significance for DiGeorge syndrome. Last evaluated: 2025-06-12. Review status: criteria provided, single submitter. Criteria: Invitae Variant Classification Sherloc (09022015). Collection method: clinical testing. Allele origin: germline.
Comment: This sequence change replaces proline, which is neutral and non-polar, with leucine, which is neutral and non-polar, at codon 486 of the TBX1 protein (p.Pro486Leu). This variant is present in population databases (rs762076391, gnomAD 0.01%). This missense change has been observed in individual(s) with hypertrophic cardiomyopathy (PMID: 29915097). ClinVar contains an entry for this variant (Variation ID: 3705590). An algorithm developed to predict the effect of missense changes on protein structure and function (PolyPhen-2) suggests that this variant is likely to be disruptive. In summary, the available evidence is currently insufficient to determine the role of this variant in disease. Therefore, it has been classified as a Variant of Uncertain Significance.

Blueprint Genetics
Classification: Likely benign. Last evaluated: 2021-03-04. Review status: criteria provided, single submitter. Criteria: ACMG Guidelines, 2015. Collection method: clinical testing. Allele origin: germline.

Literature cited by the submitters: PubMed 29915097 (cited by Labcorp Genetics (formerly Invitae), Labcorp).

NM_001379200.1(TBX1):c.1484C>T (p.Pro495Leu)

Gene: TBX1 (T-box transcription factor 1; plus strand). Cytogenetic location: 22q11.21.
Variant type: single nucleotide variant.
Coding change: c.1484C>T on transcript NM_001379200.1 (MANE Select); coding-DNA position 1484, C replaced by T.
Protein change: p.Pro495Leu; replaces proline 495 with leucine.
Molecular consequence: missense variant. On other transcripts: intron variant (2).
Genome position (GRCh38, 1-based): chr22:19,766,836, C>T. VCF-style: chr22-19766836-C-T. GRCh37 (hg19) VCF-style: chr22-19754359-C-T.
Other names: c.1457C>T, p.Pro486Leu (NM_080647.1); c.1009+834C>T (NM_005992.1, NM_080646.2); short protein forms P495L, P486L.
Identifiers: ClinVar variation 3705590 (VCV003705590.3).
Genomic context (GRCh38, chr22:19,766,836, plus strand): 5'-CCGCCGCCGCTGCCGCAGCTGCCGCGGCCGCCAACATGTACTCGTCGGCCGGAGCCGCGC[C>T]GCCCGGCTCCTACGACTATTGCCCCAGATAACACGGGCCCTGTCGCGCTCCCGCCCCGGT-3'
Protein context (NP_001366129.1, residues 485-504): ANMYSSAGAA[Pro495Leu]PGSYDYCPR